The following is an entry in ClinVar:

NM_000138.5(FBN1):c.451G>T (p.Glu151Ter)

Gene: FBN1 (fibrillin 1; minus strand). Cytogenetic location: 15q21.1.
Variant type: single nucleotide variant.
Coding change: c.451G>T on transcript NM_000138.5 (MANE Select); coding-DNA position 451, G replaced by T.
Protein change: p.Glu151Ter; replaces glutamic acid 151 with a stop codon.
Molecular consequence: nonsense.
Genome position (GRCh38, 1-based): chr15:48,596,370, C>A on the plus strand (G>T on the coding strand, the complement: FBN1 is on the minus strand). VCF-style: chr15-48596370-C-A. GRCh37 (hg19) VCF-style: chr15-48888567-C-A.
Other names: c.451G>T, p.Glu151Ter (NM_001406716.1, NM_001406717.1); short protein forms E151*.
Identifiers: ClinVar variation 1325414 (VCV001325414.2), dbSNP rs1180715983, ClinGen allele CA392446400.
Genomic context (GRCh38, chr15:48,596,370, plus strand): 5'-CGTAAGTGCATGCACATCGATTTGGGGCCACACACCTTCCTCCATTGAGACAGCCACTTT[C>A]ACAAACAGCTGTAAAATAAGGAGAGAGCTGAGACGCTTTACCTGAAAATAAATGCTAATG-3'

ClinVar aggregate classification (germline): Pathogenic (1 of 4 stars; one submission).

Conditions:
Marfan syndrome (MFS). Also called: Marfan syndrome type 1; Marfan's syndrome; FBN1-Related Marfan Syndrome; MARFAN SYNDROME, TYPE I; Marfan syndrome, classic. Identifiers: Orphanet 284963, Orphanet 558, MedGen C0024796, MONDO:0007947, OMIM 154700.

Submission:

Centre of Medical Genetics, University of Antwerp
Classification: Pathogenic for Marfan syndrome. Last evaluated: 2021-03-01. Review status: criteria provided, single submitter. Criteria: Submitter's publication. Collection method: research. Allele origin: unknown. Affected: yes.
Comment: PM2, PVS1, PP4